The following is an entry in ClinVar:

NM_014727.3(KMT2B):c.5685C>T (p.Thr1895=)

Gene: KMT2B (lysine methyltransferase 2B; plus strand). Cytogenetic location: 19q13.12.
Variant type: single nucleotide variant.
Coding change: c.5685C>T on transcript NM_014727.3 (MANE Select); coding-DNA position 5685, C replaced by T.
Protein change: p.Thr1895=; no amino-acid change (threonine 1895 retained).
Molecular consequence: synonymous variant.
Genome position (GRCh38, 1-based): chr19:35,732,234, C>T. VCF-style: chr19-35732234-C-T. GRCh37 (hg19) VCF-style: chr19-36223135-C-T.
Identifiers: ClinVar variation 3342129 (VCV003342129.17).

ClinVar aggregate classification (germline): Benign/Likely benign. Review status: criteria provided, multiple submitters, no conflicts (2 of 4 stars). 2 submissions from 2 submitters: Benign (1); Likely benign (1). Last evaluated 2025-04-29.

gnomAD v4.1: 27 of 1,600,736 alleles (0.0017%); highest among the groups gnomAD compares: East Asian, 0.041%; no homozygotes.

Submissions (2):

Labcorp Genetics (formerly Invitae), Labcorp
Classification: Benign. Last evaluated: 2025-04-29. Review status: criteria provided, single submitter. Criteria: Invitae Variant Classification Sherloc (09022015). Collection method: clinical testing. Allele origin: germline.

CeGaT Center for Human Genetics Tuebingen
Classification: Likely benign. Last evaluated: 2024-08-01. Review status: criteria provided, single submitter. Criteria: CeGaT Center For Human Genetics Tuebingen Variant Classification Criteria Version 2. Collection method: clinical testing. Allele origin: germline. Affected: yes. Observed: 1 variant allele.
Comment: KMT2B: BP4, BP7